The following is an entry in ClinVar:

NM_001165963.4(SCN1A):c.2044G>A (p.Gly682Arg)

Gene: SCN1A (sodium voltage-gated channel alpha subunit 1; minus strand). Cytogenetic location: 2q24.3.
Variant type: single nucleotide variant.
Coding change: c.2044G>A on transcript NM_001165963.4 (MANE Select); coding-DNA position 2044, G replaced by A.
Protein change: p.Gly682Arg; replaces glycine 682 with arginine.
Molecular consequence: missense variant. On other transcripts: 5 prime UTR variant (1), non-coding transcript variant (1).
Genome position (GRCh38, 1-based): chr2:166,042,424, C>T on the plus strand (G>A on the coding strand, the complement: SCN1A is on the minus strand). VCF-style: chr2-166042424-C-T. GRCh37 (hg19) VCF-style: chr2-166898934-C-T.
Other names: c.2011G>A, p.Gly671Arg (NM_001353950.2, NM_001353951.2, NM_001353952.2 and 2 more transcripts); c.2008G>A, p.Gly670Arg (NM_001353954.2, NM_001353955.2); c.1960G>A, p.Gly654Arg (NM_001353957.2, NM_001353958.2, NM_001165964.3); c.1957G>A, p.Gly653Arg (NM_001353960.2); c.-415G>A (NM_001353961.2); c.2044G>A, p.Gly682Arg (NM_001202435.3, NM_001353948.2); short protein forms G653R, G654R, G670R, G671R, G682R.
Identifiers: ClinVar variation 1098694 (VCV001098694.12), dbSNP rs1398374184, ClinGen allele CA349066197.

ClinVar aggregate classification (germline): Uncertain significance. Review status: criteria provided, multiple submitters, no conflicts (2 of 4 stars). 3 submissions from 3 submitters: Uncertain significance (3). Last evaluated 2022-08-09.

Conditions:
Severe myoclonic epilepsy in infancy (DRVT). Also called: Epileptic encephalopathy, early infantile, 6 (Dravet syndrome); SEVERE MYOCLONIC EPILEPSY OF INFANCY; DEVELOPMENTAL AND EPILEPTIC ENCEPHALOPATHY 6A; Severe Myoclonic Epilepsy in Infancy (SMEI); Dravet syndrome. Identifiers: Orphanet 33069, MedGen C0751122, MONDO:0100135, OMIM 607208.
Inborn genetic diseases. Identifiers: MedGen C0950123, MeSH D030342.
Early-infantile DEE. Also called: Early infantile epileptic encephalopathy; Ohtahara syndrome; Early infantile epileptic encephalopathy with suppression bursts. Identifiers: Orphanet 1934, MedGen C0393706, MONDO:0800491.

Allele frequency attached by ClinVar (database versions not stated): gnomAD exomes below 0.00001; TOPMed below 0.00001.
gnomAD v4.1: 5 of 1,613,422 alleles (0.00031%); highest among the groups gnomAD compares: African/African-American, 0.0053%; no homozygotes.

Submissions (3):

Labcorp Genetics (formerly Invitae), Labcorp
Classification: Uncertain significance for Early-infantile DEE. Last evaluated: 2022-08-09. Review status: criteria provided, single submitter. Criteria: Invitae Variant Classification Sherloc (09022015). Collection method: clinical testing. Allele origin: germline.
Comment: In summary, the available evidence is currently insufficient to determine the role of this variant in disease. Therefore, it has been classified as a Variant of Uncertain Significance. Algorithms developed to predict the effect of missense changes on protein structure and function are either unavailable or do not agree on the potential impact of this missense change (SIFT: "Deleterious"; PolyPhen-2: "Probably Damaging"; Align-GVGD: "Class C15"). ClinVar contains an entry for this variant (Variation ID: 1098694). This variant has not been reported in the literature in individuals affected with SCN1A-related conditions. This variant is present in population databases (no rsID available, gnomAD 0.007%). This sequence change replaces glycine, which is neutral and non-polar, with arginine, which is basic and polar, at codon 682 of the SCN1A protein (p.Gly682Arg).

New York Genome Center
Classification: Uncertain significance for Severe myoclonic epilepsy in infancy. Last evaluated: 2020-06-02. Review status: criteria provided, single submitter. Criteria: NYGC Assertion Criteria 2020. Collection method: clinical testing. Allele origin: inherited. Observed: 1 heterozygote. Study: CSER-NYCKidSeq.

Ambry Genetics
Classification: Uncertain significance for Inborn genetic diseases. Last evaluated: 2018-07-10. Review status: criteria provided, single submitter. Criteria: Ambry Variant Classification Scheme 2023. Collection method: clinical testing. Allele origin: germline.
Comment: The p.G682R variant (also known as c.2044G>A) is located in coding exon 12 of the SCN1A gene. The glycine at codon 682 is replaced by arginine, an amino acid with dissimilar properties. This change occurs in the first base pair of coding exon 12. This amino acid position is well conserved in available vertebrate species. In addition, the in silico prediction for this alteration is inconclusive. Since supporting evidence is limited at this time, the clinical significance of this alteration remains unclear.